The following is an entry in ClinVar:

NM_001184.4(ATR):c.431T>C (p.Val144Ala)

Gene: ATR (ATR serine/threonine kinase; minus strand). Cytogenetic location: 3q23.
Variant type: single nucleotide variant.
Coding change: c.431T>C on transcript NM_001184.4 (MANE Select); coding-DNA position 431, T replaced by C.
Protein change: p.Val144Ala; replaces valine 144 with alanine.
Molecular consequence: missense variant.
Genome position (GRCh38, 1-based): chr3:142,562,971, A>G on the plus strand (T>C on the coding strand, the complement: ATR is on the minus strand). VCF-style: chr3-142562971-A-G. GRCh37 (hg19) VCF-style: chr3-142281813-A-G.
Other names: c.431T>C, p.Val144Ala (NM_001354579.2); c.431T>C (NM_001184.3); short protein forms V144A.
Identifiers: ClinVar variation 2453543 (VCV002453543.2), dbSNP rs749942139, ClinGen allele CA354827001.

ClinVar aggregate classification (germline): Uncertain significance (1 of 4 stars; one submission).

Conditions:
Inborn genetic diseases. Identifiers: MedGen C0950123, MeSH D030342.

gnomAD v4.1: 1 of 1,609,634 alleles (0.000062%); highest among the groups gnomAD compares: Non-Finnish European, 0.000085%; no homozygotes.

Submission:

Ambry Genetics
Classification: Uncertain significance for Inborn genetic diseases. Last evaluated: 2022-12-05. Review status: criteria provided, single submitter. Criteria: Ambry Variant Classification Scheme 2023. Collection method: clinical testing. Allele origin: germline.
Comment: The p.V144A variant (also known as c.431T>C), located in coding exon 4 of the ATR gene, results from a T to C substitution at nucleotide position 431. The valine at codon 144 is replaced by alanine, an amino acid with similar properties. This amino acid position is conserved. In addition, this alteration is predicted to be tolerated by in silico analysis. Since supporting evidence is limited at this time, the clinical significance of this alteration remains unclear.